The following is an entry in ClinVar:

ClinVar aggregate classification (germline): Conflicting classifications of pathogenicity. Review status: no assertion criteria provided (0 of 4 stars). 3 submissions from 3 submitters: Pathogenic (1); Likely pathogenic (1); Uncertain significance (1). Last evaluated 2023-11-02.

Conditions:
Platelet-type bleeding disorder 20 (BDPLT20). Identifiers: Orphanet 466806, MedGen C4310797, MONDO:0014830, OMIM 616913.
Thrombocytopenia. Identifiers: MedGen C0040034, MeSH D013921, MONDO:0002049, HP:0001873.
Abnormal bleeding. Also called: Bleeding diathesis. Identifiers: MedGen C1458140, HP:0001892.

Allele frequency attached by ClinVar (database versions not stated): gnomAD exomes below 0.00001.

Submissions (3):

OMIM
Classification: Pathogenic for BLEEDING DISORDER, PLATELET-TYPE, 20. Last evaluated: 2023-11-02. Review status: no assertion criteria provided. Collection method: literature only. Allele origin: germline.

ISTH-SSC Genomics in Thrombosis and Hemostasis, KU Leuven, Center for Molecular and Vascular Biology
Classification: Uncertain significance for Platelet-type bleeding disorder 20. Review status: no assertion criteria provided. Collection method: research. Allele origin: unknown. Affected: yes.
Comment: Submitted to GoldVariant by Neil Morgan from Birmingham Platelet Group, Birmingham, UK

NIHR Bioresource Rare Diseases, University of Cambridge
Classification: Likely pathogenic for Thrombocytopenia; Abnormal bleeding. Review status: no assertion criteria provided. Collection method: research. Allele origin: unknown. Affected: yes. Observed: 1 variant allele.

Literature cited by the submitters: PubMed 26280575 (cited by OMIM); PubMed 36790527 (cited by OMIM); PubMed 32581362 (cited by NIHR Bioresource Rare Diseases, University of Cambridge).

NM_001129820.2(SLFN14):c.657A>T (p.Lys219Asn)

Gene: SLFN14 (schlafen family member 14; minus strand). Cytogenetic location: 17q12.
Variant type: single nucleotide variant.
Coding change: c.657A>T on transcript NM_001129820.2 (MANE Select); coding-DNA position 657, A replaced by T.
Protein change: p.Lys219Asn; replaces lysine 219 with asparagine.
Molecular consequence: missense variant.
Genome position (GRCh38, 1-based): chr17:35,557,406, T>A on the plus strand (A>T on the coding strand, the complement: SLFN14 is on the minus strand). VCF-style: chr17-35557406-T-A. GRCh37 (hg19) VCF-style: chr17-33884425-T-A.
Other names: short protein forms K219N.
Identifiers: ClinVar variation 225534 (VCV000225534.5), dbSNP rs869320715, ClinGen allele CA358902.